The following is an entry in ClinVar:

NM_031407.7(HUWE1):c.449G>A (p.Arg150His)

Gene: HUWE1 (HECT, UBA and WWE domain containing E3 ubiquitin protein ligase 1; minus strand). Cytogenetic location: Xp11.22.
Variant type: single nucleotide variant.
Coding change: c.449G>A on transcript NM_031407.7 (MANE Select); coding-DNA position 449, G replaced by A.
Protein change: p.Arg150His; replaces arginine 150 with histidine.
Molecular consequence: missense variant.
Genome position (GRCh38, 1-based): chrX:53,645,366, C>T on the plus strand (G>A on the coding strand, the complement: HUWE1 is on the minus strand). VCF-style: chrX-53645366-C-T. GRCh37 (hg19) VCF-style: chrX-53672318-C-T.
Other names: short protein forms R150H.
Identifiers: ClinVar variation 1307032 (VCV001307032.2), dbSNP rs2067906873, ClinGen allele CA413163759.

ClinVar aggregate classification (germline): Uncertain significance (1 of 4 stars; one submission).

Submission:

GeneDx
Classification: Uncertain significance. Last evaluated: 2020-03-05. Review status: criteria provided, single submitter. Criteria: GeneDx Variant Classification Process June 2021. Collection method: clinical testing. Allele origin: germline. Affected: yes.
Comment: Has not been previously published as pathogenic or benign to our knowledge; Not observed in large population cohorts (Lek et al., 2016); In silico analysis supports that this missense variant has a deleterious effect on protein structure/function